The following is an entry in ClinVar:

NM_006421.5(ARFGEF1):c.5388T>G (p.Phe1796Leu)

Gene: ARFGEF1 (ARF guanine nucleotide exchange factor 1; minus strand). Cytogenetic location: 8q13.2.
Variant type: single nucleotide variant.
Coding change: c.5388T>G on transcript NM_006421.5 (MANE Select); coding-DNA position 5388, T replaced by G.
Protein change: p.Phe1796Leu; replaces phenylalanine 1796 with leucine.
Molecular consequence: missense variant. On other transcripts: non-coding transcript variant (1), intron variant (2).
Genome position (GRCh38, 1-based): chr8:67,199,096, A>C on the plus strand (T>G on the coding strand, the complement: ARFGEF1 is on the minus strand). VCF-style: chr8-67199096-A-C. GRCh37 (hg19) VCF-style: chr8-68111331-A-C.
Other names: c.5367+1300T>G (NM_001413186.1); c.5385+1300T>G (NM_001413187.1); c.5388T>G, p.Phe1796Leu (NM_001413184.1); c.5370T>G, p.Phe1790Leu (NM_001413185.1, NM_001413189.1); c.4788T>G, p.Phe1596Leu (NM_001413188.1, NM_001413197.1); c.5382T>G, p.Phe1794Leu (NM_001413190.1); c.5292T>G, p.Phe1764Leu (NM_001413191.1); c.5274T>G, p.Phe1758Leu (NM_001413192.1); and 1 more; short protein forms F1758L, F1321L, F1790L, F1796L, F1596L, F1764L, F1794L.
Identifiers: ClinVar variation 3731252 (VCV003731252.3).

ClinVar aggregate classification (germline): Uncertain significance. Review status: criteria provided, multiple submitters, no conflicts (2 of 4 stars). 2 submissions from 2 submitters: Uncertain significance (2). Last evaluated 2026-04-18.

Conditions:
Developmental delay, impaired speech, and behavioral abnormalities, with or without seizures (DEDISB). Identifiers: MedGen C5575272, MONDO:0859263, OMIM 619964.

Submissions (2):

GeneDx
Classification: Uncertain significance. Last evaluated: 2026-04-18. Review status: criteria provided, single submitter. Criteria: GeneDx Variant Classification Process June 2021. Collection method: clinical testing. Allele origin: germline.
Comment: Not observed at significant frequency in large population cohorts (gnomAD); In silico analysis supports that this missense variant has a deleterious effect on protein structure/function; Has not been previously published as pathogenic or benign to our knowledge

3billion
Classification: Uncertain significance for Developmental delay, impaired speech, and behavioral abnormalities, with or without seizures. Last evaluated: 2025-03-13. Review status: criteria provided, single submitter. Criteria: ACMG Guidelines, 2015. Collection method: clinical testing. Allele origin: germline. Affected: yes.